The following is an entry in ClinVar:

ClinVar aggregate classification (germline): Uncertain significance (1 of 4 stars; one submission).

Submission:

Labcorp Genetics (formerly Invitae), Labcorp
Classification: Uncertain significance. Last evaluated: 2021-12-13. Review status: criteria provided, single submitter. Criteria: Invitae Variant Classification Sherloc (09022015). Collection method: clinical testing. Allele origin: germline.
Comment: A copy number gain of the genomic region encompassing the full coding sequence of the PCNT gene has been identified. The boundaries of this event are unknown as they extend beyond the assayed region for this gene and therefore may encompass additional genes. As the precise location of this event is unknown, it may be in tandem or it may be located elsewhere in the genome. This variant has not been reported in the literature in individuals affected with PCNT-related conditions. In summary, the available evidence is currently insufficient to determine the role of this variant in disease. Therefore, it has been classified as a Variant of Uncertain Significance.

NC_000021.8:g.(?_44473990)_(47865240_?)dup

Genes: KRTAP10-5 (keratin associated protein 10-5; minus strand), KRTAP10-8 (keratin associated protein 10-8; plus strand), KRTAP10-9 (keratin associated protein 10-9; plus strand), KRTAP12-1 (keratin associated protein 12-1; minus strand), KRTAP10-6 (keratin associated protein 10-6; minus strand) and 54 more. Cytogenetic location: 21q22.3.
Variant type: Duplication.
Identifiers: ClinVar variation 1447702 (VCV001447702.1).